The following is an entry in ClinVar:

ClinVar aggregate classification (germline): Pathogenic (1 of 4 stars; one submission).

Conditions:
Pitt-Hopkins-like syndrome 2 (PTHSL2). Identifiers: Orphanet 221150, Orphanet 600663, MedGen C3280479, MONDO:0013690, OMIM 614325.

Submission:

Labcorp Genetics (formerly Invitae), Labcorp
Classification: Pathogenic for Pitt-Hopkins-like syndrome 2. Last evaluated: 2023-10-29. Review status: criteria provided, single submitter. Criteria: Invitae Variant Classification Sherloc (09022015). Collection method: clinical testing. Allele origin: germline.
Comment: This sequence change creates a premature translational stop signal (p.Cys740*) in the NRXN1 gene. It is expected to result in an absent or disrupted protein product. Loss-of-function variants in NRXN1 are known to be pathogenic (PMID: 19896112, 21964664, 23495017, 23533028, 25149956, 30031152). This variant is not present in population databases (gnomAD no frequency). This variant has not been reported in the literature in individuals affected with NRXN1-related conditions. For these reasons, this variant has been classified as Pathogenic.

Literature cited by the submitters: PubMed 19896112; PubMed 21964664; PubMed 23495017; PubMed 23533028; PubMed 25149956; PubMed 30031152.

NM_001330078.2(NRXN1):c.2100T>A (p.Cys700Ter)

Gene: NRXN1 (neurexin 1; minus strand). Cytogenetic location: 2p16.3.
Variant type: single nucleotide variant.
Coding change: c.2100T>A on transcript NM_001330078.2 (MANE Select); coding-DNA position 2100, T replaced by A.
Protein change: p.Cys700Ter; replaces cysteine 700 with a stop codon.
Molecular consequence: nonsense.
Genome position (GRCh38, 1-based): chr2:50,538,296, A>T on the plus strand (T>A on the coding strand, the complement: NRXN1 is on the minus strand). VCF-style: chr2-50538296-A-T. GRCh37 (hg19) VCF-style: chr2-50765434-A-T.
Other names: c.2220T>A, p.Cys740Ter (NM_001135659.3); c.2076T>A, p.Cys692Ter (NM_001330077.2, NM_001330082.2, NM_001330095.2); c.2061T>A, p.Cys687Ter (NM_001330083.2, NM_001330084.2); c.2100T>A, p.Cys700Ter (NM_001330085.2, NM_001330086.2, NM_004801.6); c.2016T>A, p.Cys672Ter (NM_001330087.2, NM_001330096.2); c.2046T>A, p.Cys682Ter (NM_001330088.2); c.2097T>A, p.Cys699Ter (NM_001330093.2); c.2088T>A, p.Cys696Ter (NM_001330094.2); short protein forms C672*, C740*, C682*, C692*, C696*, C700*, C687*, C699*.
Identifiers: ClinVar variation 2772618 (VCV002772618.3), dbSNP rs2465664142, ClinGen allele CA346770139.
Genomic context (GRCh38, chr2:50,538,296, plus strand): 5'-GGGTTTTAGAATCCTACCTCTCTCACAGGACCTGCCAAGATAGCCTGTTCCGGAACAATC[A>T]CAGACATATCTGTTCCACCCATCCCTGCACATGCCATTGTTTTTGCAAGGGTTGCTAAGG-3'